The following is an entry in ClinVar:

NM_018972.4(GDAP1):c.106A>C (p.Ser36Arg)

Genes: GDAP1 (ganglioside induced differentiation associated protein 1; plus strand), LOC130000622 (ATAC-STARR-seq lymphoblastoid active region 27542; plus strand). Cytogenetic location: 8q21.11.
Variant type: single nucleotide variant.
Coding change: c.106A>C on transcript NM_018972.4 (MANE Select); coding-DNA position 106, A replaced by C.
Protein change: p.Ser36Arg; replaces serine 36 with arginine.
Molecular consequence: missense variant. On other transcripts: 5 prime UTR variant (2), intron variant (1).
Genome position (GRCh38, 1-based): chr8:74,350,567, A>C. VCF-style: chr8-74350567-A-C. GRCh37 (hg19) VCF-style: chr8-75262802-A-C.
Other names: c.-77A>C (NM_001362929.2); c.106A>C, p.Ser36Arg (NM_001362930.2, NM_001362931.2); c.-29A>C (NM_001362932.2); c.-64+95A>C (NM_001040875.4); short protein forms S36R.
Identifiers: ClinVar variation 467756 (VCV000467756.11), dbSNP rs1448664085, ClinGen allele CA371499189.
Genomic context (GRCh38, chr8:74,350,567, plus strand): 5'-GCGGAAGGCAAGGCCGACGCGGAGGTTAAGCTCATTCTGTACCATTGGACGCATTCCTTC[A>C]GCTCTCAAAAGGTACAACAGGCCTTGGCGGCGGAGGGTGGCGCGGATCGGGCTTCAGCAC-3'
Protein context (NP_061845.2, residues 26-46): LILYHWTHSF[Ser36Arg]SQKVRLVIAE

ClinVar aggregate classification (germline): Uncertain significance (1 of 4 stars; one submission).

Conditions:
Charcot-Marie-Tooth disease type 4A. Also called: Charcot-Marie-Tooth disease, demyelinating, autosomal recessive, type 4a. Identifiers: Orphanet 99948, MedGen C1859198, MONDO:0008961, OMIM 214400.

Allele frequency attached by ClinVar (database versions not stated): gnomAD exomes 0.00001.
gnomAD v4.1: 10 of 1,593,884 alleles (0.00063%); highest among the groups gnomAD compares: Non-Finnish European, 0.00077%; no homozygotes.

Submission:

Labcorp Genetics (formerly Invitae), Labcorp
Classification: Uncertain significance for Charcot-Marie-Tooth disease type 4A. Last evaluated: 2022-07-19. Review status: criteria provided, single submitter. Criteria: Invitae Variant Classification Sherloc (09022015). Collection method: clinical testing. Allele origin: germline.
Comment: In summary, the available evidence is currently insufficient to determine the role of this variant in disease. Therefore, it has been classified as a Variant of Uncertain Significance. Advanced modeling of protein sequence and biophysical properties (such as structural, functional, and spatial information, amino acid conservation, physicochemical variation, residue mobility, and thermodynamic stability) performed at Invitae indicates that this missense variant is expected to disrupt GDAP1 protein function. ClinVar contains an entry for this variant (Variation ID: 467756). This variant has not been reported in the literature in individuals affected with GDAP1-related conditions. This variant is present in population databases (no rsID available, gnomAD 0.002%). This sequence change replaces serine, which is neutral and polar, with arginine, which is basic and polar, at codon 36 of the GDAP1 protein (p.Ser36Arg).